The following is an entry in ClinVar:

NM_000875.5(IGF1R):c.4024G>T (p.Glu1342Ter)

Gene: IGF1R (insulin like growth factor 1 receptor; plus strand). Cytogenetic location: 15q26.3.
Variant type: single nucleotide variant.
Coding change: c.4024G>T on transcript NM_000875.5 (MANE Select); coding-DNA position 4024, G replaced by T.
Protein change: p.Glu1342Ter; replaces glutamic acid 1342 with a stop codon.
Molecular consequence: nonsense.
Genome position (GRCh38, 1-based): chr15:98,957,362, G>T. VCF-style: chr15-98957362-G-T. GRCh37 (hg19) VCF-style: chr15-99500591-G-T.
Other names: c.4021G>T, p.Glu1341Ter (NM_001291858.2); short protein forms E1341*, E1342*.
Identifiers: ClinVar variation 4983837 (VCV004983837.1).

ClinVar aggregate classification (germline): Uncertain significance (1 of 4 stars; one submission).

Conditions:
IGF1R-related disorder. Also called: IGF1R-related condition.

gnomAD v4.1: 2 of 1,612,428 alleles (0.00012%); highest among the groups gnomAD compares: Non-Finnish European, 0.00017%; no homozygotes.

Submission:

PreventionGenetics, part of Exact Sciences
Classification: Uncertain significance for IGF1R-related condition. Last evaluated: 2026-03-29. Review status: criteria provided, single submitter. Criteria: ACMG Guidelines, 2015. Collection method: clinical testing. Allele origin: germline.
Comment: The IGF1R c.4024G>T variant is predicted to result in premature protein termination (p.Glu1342*). To our knowledge, this variant has not been reported in the literature or in a large population database (gnomAD), indicating this variant is rare. This variant resides in the last exon of IGF1R gene and it is unclear whether the resulting messenger RNA escapes nonsense mediated decay. At this time, the clinical significance of this variant is uncertain due to the absence of conclusive functional and genetic evidence.